The following is an entry in ClinVar:

ClinVar aggregate classification (germline): Likely pathogenic (1 of 4 stars; one submission).

Conditions:
Cohen syndrome (COH1). Also called: PEPPER SYNDROME; Cutis verticis gyrata, retinitis pigmentosa, and sensorineural deafness. Identifiers: Orphanet 193, MedGen C0265223, MONDO:0008999, OMIM 216550.

Submission:

Juno Genomics, Hangzhou Juno Genomics, Inc
Classification: Likely pathogenic for Cohen syndrome. Review status: criteria provided, single submitter. Criteria: ACMG Guidelines, 2015. Collection method: clinical testing. Allele origin: germline.
Comment: Null variant in a gene where loss of function (LOF) is a known mechanism of disease.;Absent from controls (or at extremely low frequency if recessive) in Genome Aggregation Database.

NM_152564.5(VPS13B):c.7248-2A>G

Gene: VPS13B (vacuolar protein sorting 13 homolog B; plus strand). Cytogenetic location: 8q22.2.
Variant type: single nucleotide variant.
Coding change: c.7248-2A>G on transcript NM_152564.5 (MANE Select); the canonical splice acceptor site of the intron before coding-DNA position 7248, A replaced by G.
Molecular consequence: splice acceptor variant.
Genome position (GRCh38, 1-based): chr8:99,776,773, A>G. VCF-style: chr8-99776773-A-G. GRCh37 (hg19) VCF-style: chr8-100789001-A-G.
Other names: c.7323-2A>G (NM_017890.5).
Identifiers: ClinVar variation 5007363 (VCV005007363.2).
Genomic context (GRCh38, chr8:99,776,773, plus strand): 5'-TCACTCATATAATATTGGGAAATTTTGGTTATTGAACTTCTTTTATCACTTCTTTCCCAT[A>G]GCTCTGCAAGTGAGTCTGGTTCTCAAAGCACTTGTGATCCACTTGTGACTCCAACAGCCC-3'